The following is an entry in ClinVar:

ClinVar aggregate classification (germline): Uncertain significance (1 of 4 stars; one submission).

Conditions:
Hereditary nonpolyposis colorectal neoplasms. Identifiers: MedGen C0009405, MeSH D003123.

Submission:

Labcorp Genetics (formerly Invitae), Labcorp
Classification: Uncertain significance for Hereditary nonpolyposis colorectal neoplasms. Last evaluated: 2020-10-05. Review status: criteria provided, single submitter. Criteria: Invitae Variant Classification Sherloc (09022015). Collection method: clinical testing. Allele origin: germline.
Comment: In summary, the available evidence is currently insufficient to determine the role of this variant in disease. Therefore, it has been classified as a Variant of Uncertain Significance. Algorithms developed to predict the effect of missense changes on protein structure and function are either unavailable or do not agree on the potential impact of this missense change (SIFT: "Deleterious"; PolyPhen-2: "Possibly Damaging"; Align-GVGD: "Class C0"). This variant has not been reported in the literature in individuals with MSH6-related conditions. This variant is not present in population databases (ExAC no frequency). This sequence change replaces lysine with glutamine at codon 476 of the MSH6 protein (p.Lys476Gln). The lysine residue is highly conserved and there is a small physicochemical difference between lysine and glutamine.

NM_000179.3(MSH6):c.1426A>C (p.Lys476Gln)

Gene: MSH6 (mutS homolog 6; plus strand). Cytogenetic location: 2p16.3.
Variant type: single nucleotide variant.
Coding change: c.1426A>C on transcript NM_000179.3 (MANE Select); coding-DNA position 1426, A replaced by C.
Protein change: p.Lys476Gln; replaces lysine 476 with glutamine.
Molecular consequence: missense variant.
Genome position (GRCh38, 1-based): chr2:47,799,409, A>C. VCF-style: chr2-47799409-A-C. GRCh37 (hg19) VCF-style: chr2-48026548-A-C.
Other names: c.1036A>C, p.Lys346Gln (NM_001281492.2); c.520A>C, p.Lys174Gln (NM_001281493.2, NM_001281494.2); short protein forms K174Q, K346Q, K476Q.
Identifiers: ClinVar variation 1014627 (VCV001014627.9), dbSNP rs1229494027, ClinGen allele CA346745435.